The following is an entry in ClinVar:

ClinVar aggregate classification (germline): Uncertain significance. Review status: criteria provided, multiple submitters, no conflicts (2 of 4 stars). 6 submissions from 6 submitters: Uncertain significance (6). Last evaluated 2026-03-13.

Conditions:
Hereditary cancer-predisposing syndrome. Also called: Hereditary Cancer Syndrome; Tumor predisposition; Neoplastic Syndromes, Hereditary; Hereditary neoplastic syndrome. Identifiers: Orphanet 140162, MedGen C0027672, MeSH D009386, MONDO:0015356.
Hereditary breast ovarian cancer syndrome. Also called: Hereditary breast and/or ovarian cancer syndrome; Hereditary breast and ovarian cancer syndrome; Breast and ovarian cancer; BRCA1- and BRCA2-Associated Hereditary Breast and Ovarian Cancer; Hereditary breast and ovarian cancer; Hereditary breast and ovarian cancer syndrome (HBOC). Identifiers: Orphanet 145, MedGen C0677776, MeSH D061325, MONDO:0003582. Disease mechanism: loss of function.
BRCA1-related cancer predisposition. Identifiers: MedGen CN377757, MONDO:0700268.

Submissions (6):

Ambry Genetics
Classification: Uncertain significance for Hereditary cancer-predisposing syndrome. Last evaluated: 2026-03-13. Review status: criteria provided, single submitter. Criteria: Ambry Variant Classification Scheme 2023. Collection method: clinical testing. Allele origin: germline.
Comment: The c.4358-2delA intronic variant, located in intron 11 of the BRCA1 gene, results from a deletion of one nucleotide within intron 11 of the BRCA1 gene. This nucleotide position is highly conserved in available vertebrate species. In silico splice site analysis predicts that this alteration will not have any significant effect on splicing. This splice site has a known alternate splice site which results in the deletion of a single amino acid from coding exon 12, or exon 14 in the literature (Colombo M et al. Hum Mol Genet, 2014 Jul;23:3666-80). Based on the available evidence, the clinical significance of this variant remains unclear.

Center for Genomic Medicine, Rigshospitalet, Copenhagen University Hospital
Classification: Uncertain significance. Last evaluated: 2025-12-29. Review status: criteria provided, single submitter. Criteria: ACMG Guidelines, 2015. Collection method: clinical testing. Allele origin: germline.

All of Us Research Program, National Institutes of Health
Classification: Uncertain significance for BRCA1-related cancer predisposition. Last evaluated: 2024-05-30. Review status: criteria provided, single submitter. Criteria: ACMG Guidelines, 2015. Collection method: clinical testing. Allele origin: germline. Inheritance: Autosomal dominant inheritance. Observed: 2 variant alleles, 2 heterozygotes.
Comment: This variant causes the deletion of a single A nucleotide within three consecutive A nucleotides located between c.4358-4 and c.4358-2 in intron 12 of the BRCA1 gene. Although this variant deletes a canonical -2 nucleotide at this acceptor site, the terminal AG dinucleotide of intron 12 is preserved. Therefore this splice acceptor site is not abolished. In addition, an alternative in-frame acceptor site located 3 nucleotides in the downstream exon 13 has also been reported, which could rescue the loss of this reference splice acceptor site (PMID: 24569164). Splice site prediction tools suggest that this variant may not impact RNA splicing. To our knowledge, functional studies have not been performed for this variant. This variant has not been reported in individuals affected with hereditary cancer in the literature. This variant has not been identified in the general population by the Genome Aggregation Database (gnomAD). The available evidence is insufficient to determine the role of this variant in disease conclusively. Therefore, this variant is classified as a Variant of Uncertain Significance.

This study involves interpretation of variants in research participants for the purpose of population health screening. Participant phenotype was not available at the time of variant classification. Additional details can be found in publication PMID: 35346344, PMCID: PMC8962531

Color Diagnostics, LLC DBA Color Health
Classification: Uncertain significance for Hereditary cancer-predisposing syndrome. Last evaluated: 2024-02-02. Review status: criteria provided, single submitter. Criteria: ACMG Guidelines, 2015. Collection method: clinical testing. Allele origin: germline.
Comment: This variant causes the deletion of a single A nucleotide within three consecutive A nucleotides located between c.4358-4 and c.4358-2 in intron 12 of the BRCA1 gene. Although this variant deletes a canonical -2 nucleotide at this acceptor site, the terminal AG dinucleotide of intron 12 is preserved. Therefore this splice acceptor site is not abolished. In addition, an alternative in-frame acceptor site located 3 nucleotides in the downstream exon 13 has also been reported, which could rescue the loss of this reference splice acceptor site (PMID: 24569164). Splice site prediction tools suggest that this variant may not impact RNA splicing. To our knowledge, functional studies have not been performed for this variant. This variant has not been reported in individuals affected with hereditary cancer in the literature. This variant has not been identified in the general population by the Genome Aggregation Database (gnomAD). The available evidence is insufficient to determine the role of this variant in disease conclusively. Therefore, this variant is classified as a Variant of Uncertain Significance.

Women's Health and Genetics/Laboratory Corporation of America, LabCorp
Classification: Uncertain significance. Last evaluated: 2023-10-30. Review status: criteria provided, single submitter. Criteria: LabCorp Variant Classification Summary - May 2015. Collection method: clinical testing. Allele origin: germline.
Comment: Variant summary: BRCA1 c.4358-2delA is located in a canonical splice-site and is predicted to affect mRNA splicing resulting in a significantly altered protein due to either exon skipping, shortening, or inclusion of intronic material. Consensus agreement among computation tools predict no significant impact on normal splicing. However, these predictions have yet to be confirmed by functional studies. The variant was absent in 250800 control chromosomes. To our knowledge, no occurrence of c.4358-2delA in individuals affected with Hereditary Breast And Ovarian Cancer Syndrome and no experimental evidence demonstrating its impact on protein function have been reported. Four submitters have cited clinical-significance assessments for this variant to ClinVar after 2014. All submitters classified the variant as uncertain significance. Based on the evidence outlined above, the variant was classified as VUS-possibly pathogenic.

Labcorp Genetics (formerly Invitae), Labcorp
Classification: Uncertain significance for Hereditary breast ovarian cancer syndrome. Last evaluated: 2023-03-20. Review status: criteria provided, single submitter. Criteria: Invitae Variant Classification Sherloc (09022015). Collection method: clinical testing. Allele origin: germline.
Comment: This sequence change falls in intron 12 of the BRCA1 gene. It does not directly change the encoded amino acid sequence of the BRCA1 protein. This variant is not present in population databases (gnomAD no frequency). This variant has not been reported in the literature in individuals affected with BRCA1-related conditions. ClinVar contains an entry for this variant (Variation ID: 841062). Studies have shown this variant is associated with deletion of 1 amino acid (p.Ala1453del) in exon 13, but one or more of the resulting mRNA isoform(s) may be naturally occurring (PMID: 24569164; Invitae). In summary, the available evidence is currently insufficient to determine the role of this variant in disease. Therefore, it has been classified as a Variant of Uncertain Significance.

Literature cited by the submitters: PubMed 24569164 (cited by 5 submitters).

NM_007294.4(BRCA1):c.4358-2del

Gene: BRCA1 (BRCA1 DNA repair associated; minus strand). Cytogenetic location: 17q21.31.
Variant type: Deletion.
Coding change: c.4358-2del on transcript NM_007294.4 (MANE Select); the canonical splice acceptor site of the intron before coding-DNA position 4358, one base deleted (A; older notation c.4358-2delA).
Molecular consequence: splice acceptor variant. On other transcripts: intron variant (138).
Genome position (GRCh38, 1-based): chr17:43,076,616, T deleted on the plus strand (A on the coding strand, the reverse complement: BRCA1 is on the minus strand); the first of 3 consecutive T bases (chr17:43,076,616-43,076,618); deleting any one gives the same sequence. VCF-style (leftmost placement, unchanged base first): chr17-43076615-CT-C. GRCh37 (hg19) VCF-style: chr17-41228632-CT-C.
Other names: c.4358-2delA (NM_007294.4, NM_007294.3); c.4094-2del (NM_001407920.1, NM_001407923.1, NM_001407922.1 and 4 more transcripts); c.4217-2del (NM_001407696.1, NM_001407725.1, NM_001407727.1 and 13 more transcripts); c.4214-2del (NM_001407751.1, NM_001407740.1, NM_001407747.1 and 11 more transcripts); c.4022-2del (NM_001407954.1, NM_001407952.1, NM_001407953.1 and 1 more transcripts); c.782-2del (NM_001408504.1, NM_001408503.1, NM_001408502.1); c.905-2del (NM_001408463.1, NM_001408462.1, NM_001408464.1 and 3 more transcripts); c.4211-2del (NM_001407847.1, NM_001407848.1, NM_001407849.1 and 1 more transcripts); and 99 more.
Identifiers: ClinVar variation 841062 (VCV000841062.25), dbSNP rs1353755235, ClinGen allele CA916080213.